The following is an entry in ClinVar:

ClinVar aggregate classification (germline): Pathogenic (1 of 4 stars; one submission).

Conditions:
Distal myopathy with posterior leg and anterior hand involvement. Also called: WILLIAMS DISTAL MYOPATHY. Identifiers: Orphanet 63273, MedGen C3279722, MONDO:0013550, OMIM 614065.
Hypertrophic cardiomyopathy 26. Also called: Cardiomyopathy, familial hypertrophic, 26. Identifiers: Orphanet 75249, MedGen C4310749, MONDO:0014883, OMIM 617047.
Myofibrillar myopathy 5. Also called: Filaminopathy (type); FILAMINOPATHY, AUTOSOMAL DOMINANT. Identifiers: Orphanet 171445, MedGen C1836050, MONDO:0012289, OMIM 609524.

Submission:

Labcorp Genetics (formerly Invitae), Labcorp
Classification: Pathogenic for Distal myopathy with posterior leg and anterior hand involvement; Myofibrillar myopathy 5; Hypertrophic cardiomyopathy 26. Last evaluated: 2025-05-06. Review status: criteria provided, single submitter. Criteria: Invitae Variant Classification Sherloc (09022015). Collection method: clinical testing. Allele origin: germline.
Comment: This sequence change creates a premature translational stop signal (p.Ser2627Profs*13) in the FLNC gene. It is expected to result in an absent or disrupted protein product. Loss-of-function variants in FLNC are known to be pathogenic (PMID: 27908349). This variant is not present in population databases (gnomAD no frequency). This variant has not been reported in the literature in individuals affected with FLNC-related conditions. ClinVar contains an entry for this variant (Variation ID: 3758874). For these reasons, this variant has been classified as Pathogenic.

Literature cited by the submitters: PubMed 27908349.

NM_001458.5(FLNC):c.7879del (p.Ser2627fs)

Genes: FLNC-AS1 (FLNC antisense RNA 1; minus strand), FLNC (filamin C; plus strand). Cytogenetic location: 7q32.1.
Variant type: Deletion.
Coding change: c.7879del on transcript NM_001458.5 (MANE Select); coding-DNA position 7879, one base deleted (T; older notation c.7879delT).
Protein change: p.Ser2627fs; shifts the reading frame from serine 2627.
Molecular consequence: frameshift variant.
Genome position (GRCh38, 1-based): chr7:128,858,106, T deleted. VCF-style (leftmost placement, unchanged base first): chr7-128858105-CT-C. GRCh37 (hg19) VCF-style: chr7-128498159-CT-C.
Other names: c.7780del, p.Ser2594fs (NM_001127487.2); short protein forms S2594fs, S2627fs.
Identifiers: ClinVar variation 3758874 (VCV003758874.2).